The following is an entry in ClinVar:

ClinVar aggregate classification (germline): Uncertain significance. Review status: criteria provided, multiple submitters, no conflicts (2 of 4 stars). 2 submissions from 2 submitters: Uncertain significance (2). Last evaluated 2025-11-03.

Conditions:
Catecholaminergic polymorphic ventricular tachycardia 1. Also called: VENTRICULAR TACHYCARDIA, STRESS-INDUCED POLYMORPHIC 1; VENTRICULAR TACHYCARDIA, CATECHOLAMINERGIC POLYMORPHIC, 1, WITH OR WITHOUT ATRIAL DYSFUNCTION AND/OR DILATED CARDIOMYOPATHY; RYR2-Related Catecholaminergic Polymorphic Ventricular Tachycardia. Identifiers: Orphanet 3286, MedGen C1631597, MONDO:0011484, OMIM 604772.
Cardiovascular phenotype. Identifiers: MedGen CN230736.

gnomAD v4.1: 4 of 1,613,466 alleles (0.00025%); highest among the groups gnomAD compares: African/African-American, 0.0027%; no homozygotes.

Submissions (2):

Labcorp Genetics (formerly Invitae), Labcorp
Classification: Uncertain significance for Catecholaminergic polymorphic ventricular tachycardia 1. Last evaluated: 2025-11-03. Review status: criteria provided, single submitter. Criteria: Invitae Variant Classification Sherloc (09022015). Collection method: clinical testing. Allele origin: germline.
Comment: This sequence change replaces alanine, which is neutral and non-polar, with valine, which is neutral and non-polar, at codon 185 of the CASQ2 protein (p.Ala185Val). This variant is not present in population databases (gnomAD no frequency). This variant has not been reported in the literature in individuals affected with CASQ2-related conditions. ClinVar contains an entry for this variant (Variation ID: 3485293). Invitae Evidence Modeling of protein sequence and biophysical properties (such as structural, functional, and spatial information, amino acid conservation, physicochemical variation, residue mobility, and thermodynamic stability) has been performed for this missense variant. However, the output from this modeling did not meet the statistical confidence thresholds required to predict the impact of this variant on CASQ2 protein function. In summary, the available evidence is currently insufficient to determine the role of this variant in disease. Therefore, it has been classified as a Variant of Uncertain Significance.

Ambry Genetics
Classification: Uncertain significance for Cardiovascular phenotype. Last evaluated: 2024-09-11. Review status: criteria provided, single submitter. Criteria: Ambry Variant Classification Scheme 2023. Collection method: clinical testing. Allele origin: germline.
Comment: The p.A185V variant (also known as c.554C>T), located in coding exon 5 of the CASQ2 gene, results from a C to T substitution at nucleotide position 554. The alanine at codon 185 is replaced by valine, an amino acid with similar properties. This amino acid position is conserved. In addition, the in silico prediction for this alteration is inconclusive. Based on the available evidence, the clinical significance of this variant remains unclear.

NM_001232.4(CASQ2):c.554C>T (p.Ala185Val)

Gene: CASQ2 (calsequestrin 2; minus strand). Cytogenetic location: 1p13.1.
Variant type: single nucleotide variant.
Coding change: c.554C>T on transcript NM_001232.4 (MANE Select); coding-DNA position 554, C replaced by T.
Protein change: p.Ala185Val; replaces alanine 185 with valine.
Molecular consequence: missense variant.
Genome position (GRCh38, 1-based): chr1:115,732,953, G>A on the plus strand (C>T on the coding strand, the complement: CASQ2 is on the minus strand). VCF-style: chr1-115732953-G-A. GRCh37 (hg19) VCF-style: chr1-116275574-G-A.
Other names: short protein forms A185V.
Identifiers: ClinVar variation 3485293 (VCV003485293.2).
Genomic context (GRCh38, chr1:115,732,953, plus strand): 5'-GTACTTACCCCTTTGTCAAAGGTGGCAAAGAATTTGATGTAAGGCTGGAAGTGTTCAGCT[G>A]CTTCTTCAAAAGCCTTGTAGTCTAAGGGGAAAAATAAAGATGAAGGGAGAGACATTTTCA-3'
Protein context (NP_001223.2, residues 175-195): DSEYYKAFEE[Ala185Val]AEHFQPYIKF